The following is an entry in ClinVar:

ClinVar aggregate classification (germline): Uncertain significance (1 of 4 stars; one submission).

Submission:

GeneDx
Classification: Uncertain significance. Last evaluated: 2022-03-03. Review status: criteria provided, single submitter. Criteria: GeneDx Variant Classification Process June 2021. Collection method: clinical testing. Allele origin: germline. Affected: yes.
Comment: Not observed at significant frequency in large population cohorts (gnomAD); In silico analysis supports that this missense variant has a deleterious effect on protein structure/function; Has not been previously published as pathogenic or benign to our knowledge

NM_001393504.1(MAST3):c.1555G>C (p.Asp519His)

Gene: MAST3 (microtubule associated serine/threonine kinase 3; plus strand). Cytogenetic location: 19p13.11.
Variant type: single nucleotide variant.
Coding change: c.1555G>C on transcript NM_001393504.1 (MANE Select); coding-DNA position 1555, G replaced by C.
Protein change: p.Asp519His; replaces aspartic acid 519 with histidine.
Molecular consequence: missense variant.
Genome position (GRCh38, 1-based): chr19:18,132,031, G>C. VCF-style: chr19-18132031-G-C. GRCh37 (hg19) VCF-style: chr19-18242841-G-C.
Other names: c.1579G>C, p.Asp527His (NM_001393501.1); c.1558G>C, p.Asp520His (NM_001393502.1); c.1555G>C, p.Asp519His (NM_001393503.1); c.1552G>C, p.Asp518His (NM_001393505.1); c.1507G>C, p.Asp503His (NM_001393506.1, NM_001393513.1); c.1534G>C, p.Asp512His (NM_001393507.1); c.1489G>C, p.Asp497His (NM_001393508.1, NM_001393516.1); c.1486G>C, p.Asp496His (NM_001393509.1, NM_001393510.1, NM_001393512.1 and 2 more transcripts); and 4 more; short protein forms D481H, D489H, D490H, D495H, D496H, D497H, D503H, D512H.
Identifiers: ClinVar variation 1703944 (VCV001703944.2), dbSNP rs2513140295, ClinGen allele CA404812080.